The following is an entry in ClinVar:

ClinVar aggregate classification (germline): Uncertain significance (1 of 4 stars; one submission).

Conditions:
Mucopolysaccharidosis type 1. Also called: IDUA deficiency; MPS I; Mucopolysaccharidosis Type I. Identifiers: Orphanet 579, MedGen C0023786, MONDO:0001586.

Submission:

Labcorp Genetics (formerly Invitae), Labcorp
Classification: Uncertain significance for Mucopolysaccharidosis type 1. Last evaluated: 2025-12-24. Review status: criteria provided, single submitter. Criteria: Invitae Variant Classification Sherloc (09022015). Collection method: clinical testing. Allele origin: germline.
Comment: This sequence change replaces isoleucine, which is neutral and non-polar, with asparagine, which is neutral and polar, at codon 272 of the IDUA protein (p.Ile272Asn). This variant is not present in population databases (gnomAD no frequency). This variant has not been reported in the literature in individuals affected with IDUA-related conditions. Invitae Evidence Modeling of protein sequence and biophysical properties (such as structural, functional, and spatial information, amino acid conservation, physicochemical variation, residue mobility, and thermodynamic stability) indicates that this missense variant is expected to disrupt IDUA protein function with a positive predictive value of 95%. In summary, the available evidence is currently insufficient to determine the role of this variant in disease. Therefore, it has been classified as a Variant of Uncertain Significance.

NM_000203.5(IDUA):c.815T>A (p.Ile272Asn)

Gene: IDUA (alpha-L-iduronidase; plus strand). Cytogenetic location: 4p16.3.
Variant type: single nucleotide variant.
Coding change: c.815T>A on transcript NM_000203.5 (MANE Select); coding-DNA position 815, T replaced by A.
Protein change: p.Ile272Asn; replaces isoleucine 272 with asparagine.
Molecular consequence: missense variant. On other transcripts: non-coding transcript variant (1).
Genome position (GRCh38, 1-based): chr4:1,002,004, T>A. VCF-style: chr4-1002004-T-A. GRCh37 (hg19) VCF-style: chr4-995792-T-A.
Other names: c.419T>A, p.Ile140Asn (NM_001363576.1); short protein forms I272N, I140N.
Identifiers: ClinVar variation 4774370 (VCV004774370.1).
Genomic context (GRCh38, chr4:1,002,004, plus strand): 5'-CGCTGACCCTGGTGGTGCTGAGGCGGCCCCGCCCGCAGGGTGCGCGCAGCTCCATCTCCA[T>A]CCTGGAGCAGGAGAAGGTCGTCGCGCAGCAGATCCGGCAGCTCTTCCCCAAGTTCGCGGA-3'
Protein context (NP_000194.2, residues 262-282): HRKGARSSIS[Ile272Asn]LEQEKVVAQQ